The following is an entry in ClinVar:

ClinVar aggregate classification (germline): Uncertain significance (1 of 4 stars; one submission).

Conditions:
Isolated microphthalmia 5. Also called: Posterior Microphthalmia with Retinitis Pigmentosa, Foveoschisis, and Optic Disc Drusen. Identifiers: Orphanet 251279, MedGen C1970236, MONDO:0012605, OMIM 611040.

Allele frequency attached by ClinVar (database versions not stated): gnomAD 0.00001; ExAC 0.00002; gnomAD exomes 0.00001; TOPMed 0.00001.
gnomAD v4.1: 15 of 1,611,798 alleles (0.00093%); highest among the groups gnomAD compares: African/African-American, 0.0013%; no homozygotes.

Submission:

Labcorp Genetics (formerly Invitae), Labcorp
Classification: Uncertain significance for Isolated microphthalmia 5. Last evaluated: 2023-05-08. Review status: criteria provided, single submitter. Criteria: Invitae Variant Classification Sherloc (09022015). Collection method: clinical testing. Allele origin: germline.
Comment: This variant has not been reported in the literature in individuals affected with MFRP-related conditions. This variant is present in population databases (rs752266854, gnomAD 0.003%). This sequence change replaces glutamic acid, which is acidic and polar, with lysine, which is basic and polar, at codon 242 of the MFRP protein (p.Glu242Lys). ClinVar contains an entry for this variant (Variation ID: 1485392). In summary, the available evidence is currently insufficient to determine the role of this variant in disease. Therefore, it has been classified as a Variant of Uncertain Significance. Advanced modeling of protein sequence and biophysical properties (such as structural, functional, and spatial information, amino acid conservation, physicochemical variation, residue mobility, and thermodynamic stability) performed at Invitae indicates that this missense variant is not expected to disrupt MFRP protein function.

NM_031433.4(MFRP):c.724G>A (p.Glu242Lys)

Genes: C1QTNF5 (C1q and TNF related 5; minus strand), MFRP (membrane frizzled-related protein; minus strand). Cytogenetic location: 11q23.3.
Variant type: single nucleotide variant.
Coding change: c.724G>A on transcript NM_031433.4 (MANE Select); coding-DNA position 724, G replaced by A.
Protein change: p.Glu242Lys; replaces glutamic acid 242 with lysine.
Molecular consequence: missense variant. On other transcripts: 5 prime UTR variant (1).
Genome position (GRCh38, 1-based): chr11:119,344,922, C>T on the plus strand (G>A on the coding strand, the complement: MFRP is on the minus strand). VCF-style: chr11-119344922-C-T. GRCh37 (hg19) VCF-style: chr11-119215632-C-T.
Other names: c.-1913G>A (NM_015645.5); short protein forms E242K.
Identifiers: ClinVar variation 1485392 (VCV001485392.7), dbSNP rs752266854, ClinGen allele CA6320438.